The following is an entry in ClinVar:

NM_001127898.4(CLCN5):c.1744+2T>C

Gene: CLCN5 (Cl-/H+ antiporter 5; plus strand). Cytogenetic location: Xp11.23.
Variant type: single nucleotide variant.
Coding change: c.1744+2T>C on transcript NM_001127898.4 (MANE Select); the canonical splice donor site of the intron after coding-DNA position 1744, T replaced by C.
Molecular consequence: splice donor variant.
Genome position (GRCh38, 1-based): chrX:50,088,886, T>C. VCF-style: chrX-50088886-T-C. GRCh37 (hg19) VCF-style: chrX-49853543-T-C.
Other names: c.1756+2T>C (NM_001440757.1, NM_001440756.1); c.1744+2T>C (NM_001127899.4); c.1534+2T>C (NM_000084.5); c.1594+2T>C (NM_001282163.2).
Identifiers: ClinVar variation 5007575 (VCV005007575.2).

ClinVar aggregate classification (germline): Likely pathogenic (1 of 4 stars; one submission).

Conditions:
X-linked recessive nephrolithiasis with renal failure (XRN). Also called: NEPHROLITHIASIS 1; NEPHROLITHIASIS, X-LINKED RECESSIVE, TYPE 1; UROLITHIASIS, X-LINKED RECESSIVE, TYPE 1. Identifiers: Orphanet 1652, Orphanet 93622, MedGen C0403720, MONDO:0010687, OMIM 310468.
Hypophosphatemic rickets, X-linked recessive (XLHRR). Identifiers: Orphanet 1652, Orphanet 93622, MedGen C1845168, MONDO:0010358, OMIM 300554.
Proteinuria, low molecular weight, with hypercalciuria and nephrocalcinosis. Identifiers: Orphanet 1652, Orphanet 93622, MedGen C1839874, MONDO:0010644, OMIM 308990.
Dent disease type 1 (DENT1). Also called: NEPHROLITHIASIS 2; NEPHROLITHIASIS, HYPERCALCIURIC, X-LINKED. Identifiers: Orphanet 1652, Orphanet 93622, MedGen C1848336, MONDO:0010225, OMIM 300009.

Submission:

Juno Genomics, Hangzhou Juno Genomics, Inc
Classification: Likely pathogenic for Dent disease type 1; Hypophosphatemic rickets, X-linked recessive; X-linked recessive nephrolithiasis with renal failure; Proteinuria, low molecular weight, with hypercalciuria and nephrocalcinosis. Review status: criteria provided, single submitter. Criteria: ACMG Guidelines, 2015. Collection method: clinical testing. Allele origin: germline.
Comment: Null variant in a gene where loss of function (LOF) is a known mechanism of disease.;Absent from controls (or at extremely low frequency if recessive) in Genome Aggregation Database.